The following is an entry in ClinVar:

NM_022124.6(CDH23):c.7295G>A (p.Gly2432Asp)

Gene: CDH23 (cadherin related 23; plus strand). Cytogenetic location: 10q22.1.
Variant type: single nucleotide variant.
Coding change: c.7295G>A on transcript NM_022124.6 (MANE Select); coding-DNA position 7295, G replaced by A.
Protein change: p.Gly2432Asp; replaces glycine 2432 with aspartic acid.
Molecular consequence: missense variant.
Genome position (GRCh38, 1-based): chr10:71,799,562, G>A. VCF-style: chr10-71799562-G-A. GRCh37 (hg19) VCF-style: chr10-73559319-G-A.
Other names: c.7295G>A (NM_022124.5); c.575G>A, p.Gly192Asp (NM_001171933.1, NM_001171934.1); short protein forms G192D, G2432D.
Identifiers: ClinVar variation 990294 (VCV000990294.9), dbSNP rs201579860, ClinGen allele CA5546302.

ClinVar aggregate classification (germline): Uncertain significance. Review status: criteria provided, multiple submitters, no conflicts (2 of 4 stars). 6 submissions from 6 submitters: Uncertain significance (5). 1 of the submissions does not count toward it. Last evaluated 2025-05-21.

Conditions:
Usher syndrome type 1 (USH1). Also called: RETINITIS PIGMENTOSA AND CONGENITAL DEAFNESS. Identifiers: Orphanet 231169, Orphanet 886, MedGen C1568247, MONDO:0010168, OMIM 276900.
Usher syndrome type 1D (USH1D). Also called: USHER SYNDROME, TYPE ID. Identifiers: Orphanet 231169, Orphanet 886, MedGen C1832845, MONDO:0010984, OMIM 601067.
Autosomal recessive nonsyndromic hearing loss 12. Also called: DEAFNESS, AUTOSOMAL RECESSIVE 12. Identifiers: Orphanet 90636, MedGen C1832394, MONDO:0011067, OMIM 601386.
Pituitary adenoma 5, multiple types. Identifiers: MedGen C4539685, MONDO:0054601, OMIM 617540.
Inborn genetic diseases. Identifiers: MedGen C0950123, MeSH D030342.

Allele frequency attached by ClinVar (database versions not stated): ExAC 0.00005; ESP Exome Variant Server 0.00008; TOPMed 0.00009; gnomAD 0.00006; gnomAD exomes 0.00003.
gnomAD v4.1: 53 of 1,613,950 alleles (0.0033%); highest among the groups gnomAD compares: Non-Finnish European, 0.0036%; no homozygotes.

Submissions (6):

GeneDx
Classification: Uncertain significance. Last evaluated: 2025-05-21. Review status: criteria provided, single submitter. Criteria: GeneDx Variant Classification Process June 2021. Collection method: clinical testing. Allele origin: germline.
Comment: In silico analysis supports that this missense variant has a deleterious effect on protein structure/function; Has not been previously published as pathogenic or benign to our knowledge

Ambry Genetics
Classification: Uncertain significance for Inborn genetic diseases. Last evaluated: 2024-03-28. Review status: criteria provided, single submitter. Criteria: Ambry Variant Classification Scheme 2023. Collection method: clinical testing. Allele origin: germline.

Blueprint Genetics
Classification: Uncertain significance. Last evaluated: 2022-09-30. Review status: criteria provided, single submitter. Criteria: ACMG Guidelines, 2015. Collection method: clinical testing. Allele origin: germline.

Labcorp Genetics (formerly Invitae), Labcorp
Classification: Uncertain significance. Last evaluated: 2021-11-25. Review status: criteria provided, single submitter. Criteria: Invitae Variant Classification Sherloc (09022015). Collection method: clinical testing. Allele origin: germline.
Comment: This sequence change replaces glycine, which is neutral and non-polar, with aspartic acid, which is acidic and polar, at codon 2432 of the CDH23 protein (p.Gly2432Asp). This variant is present in population databases (rs201579860, gnomAD 0.01%). This variant has not been reported in the literature in individuals affected with CDH23-related conditions. ClinVar contains an entry for this variant (Variation ID: 990294). Algorithms developed to predict the effect of missense changes on protein structure and function are either unavailable or do not agree on the potential impact of this missense change (SIFT: "Deleterious"; PolyPhen-2: "Not Available"; Align-GVGD: "Class C65"). In summary, the available evidence is currently insufficient to determine the role of this variant in disease. Therefore, it has been classified as a Variant of Uncertain Significance.

Fulgent Genetics
Classification: Uncertain significance for Usher syndrome type 1D; Autosomal recessive nonsyndromic hearing loss 12; Pituitary adenoma 5, multiple types. Last evaluated: 2021-09-04. Review status: criteria provided, single submitter. Criteria: ACMG Guidelines, 2015. Collection method: clinical testing. Allele origin: unknown.

Natera, Inc.
Classification: Uncertain significance for Usher syndrome type 1. Last evaluated: 2020-04-17. Review status: no assertion criteria provided. Collection method: clinical testing. Allele origin: germline. Not counted in ClinVar's aggregate classification.